The following is an entry in ClinVar:

NM_005562.3(LAMC2):c.503+1G>C

Gene: LAMC2 (laminin subunit gamma 2; plus strand). Cytogenetic location: 1q25.3.
Variant type: single nucleotide variant.
Coding change: c.503+1G>C on transcript NM_005562.3 (MANE Select); the canonical splice donor site of the intron after coding-DNA position 503, G replaced by C.
Molecular consequence: splice donor variant.
Genome position (GRCh38, 1-based): chr1:183,218,489, G>C. VCF-style: chr1-183218489-G-C. GRCh37 (hg19) VCF-style: chr1-183187624-G-C.
Other names: c.503+1G>C (NM_018891.3).
Identifiers: ClinVar variation 370336 (VCV000370336.11), dbSNP rs1057516410, ClinGen allele CA16040676.

ClinVar aggregate classification (germline): Likely pathogenic. Review status: criteria provided, single submitter (1 of 4 stars). 2 submissions from 2 submitters: Likely pathogenic (1). 1 of the submissions does not count toward it. Last evaluated 2021-03-23.

Conditions:
Junctional epidermolysis bullosa gravis of Herlitz. Also called: Epidermolysis Bullosa Letalis; Herlitz-type junctional epidermolysis bullosa; EPIDERMOLYSIS BULLOSA, JUNCTIONAL 1B, SEVERE; EPIDERMOLYSIS BULLOSA JUNCTIONALIS, HERLITZ TYPE; EPIDERMOLYSIS BULLOSA, JUNCTIONAL, HERLITZ-PEARSON TYPE; JEB-HERLITZ TYPE. Identifiers: Orphanet 79404, MedGen C0079683, MONDO:0009182, OMIM 226700.

Submissions (2):

Labcorp Genetics (formerly Invitae), Labcorp
Classification: Likely pathogenic. Last evaluated: 2021-03-23. Review status: criteria provided, single submitter. Criteria: Invitae Variant Classification Sherloc (09022015). Collection method: clinical testing. Allele origin: germline.
Comment: Algorithms developed to predict the effect of sequence changes on RNA splicing suggest that this variant may disrupt the consensus splice site, but this prediction has not been confirmed by published transcriptional studies. In summary, the currently available evidence indicates that the variant is pathogenic, but additional data are needed to prove that conclusively. Therefore, this variant has been classified as Likely Pathogenic. This variant has not been reported in the literature in individuals with LAMC2-related conditions. ClinVar contains an entry for this variant (Variation ID: 370336). This variant is not present in population databases (ExAC no frequency). This sequence change affects a donor splice site in intron 4 of the LAMC2 gene. It is expected to disrupt RNA splicing. Variants that disrupt the donor or acceptor splice site typically lead to a loss of protein function (PMID: 16199547), and loss-of-function variants in LAMC2 are known to be pathogenic (PMID: 11907499, 16473856).

Counsyl
Classification: Likely pathogenic for Junctional epidermolysis bullosa gravis of Herlitz. Last evaluated: 2016-01-18. Review status: no assertion criteria provided. Collection method: clinical testing. Allele origin: unknown. Not counted in ClinVar's aggregate classification.

Literature cited by the submitters: PubMed 16199547 (cited by Labcorp Genetics (formerly Invitae), Labcorp); PubMed 11907499 (cited by Labcorp Genetics (formerly Invitae), Labcorp); PubMed 16473856 (cited by Labcorp Genetics (formerly Invitae), Labcorp).